The following is an entry in ClinVar:

ClinVar aggregate classification (germline): Uncertain significance (1 of 4 stars; one submission).

Submission:

GeneDx
Classification: Uncertain significance. Last evaluated: 2024-07-16. Review status: criteria provided, single submitter. Criteria: GeneDx Variant Classification Process June 2021. Collection method: clinical testing. Allele origin: germline. Affected: yes.
Comment: Not observed at significant frequency in large population cohorts (gnomAD); In silico analysis supports that this missense variant has a deleterious effect on protein structure/function; Has not been previously published as pathogenic or benign to our knowledge

NM_006852.6(TLK2):c.1769C>G (p.Thr590Arg)

Gene: TLK2 (tousled like kinase 2; plus strand). Cytogenetic location: 17q23.2.
Variant type: single nucleotide variant.
Coding change: c.1769C>G on transcript NM_006852.6 (MANE Select); coding-DNA position 1769, C replaced by G.
Protein change: p.Thr590Arg; replaces threonine 590 with arginine.
Molecular consequence: missense variant.
Genome position (GRCh38, 1-based): chr17:62,602,090, C>G. VCF-style: chr17-62602090-C-G. GRCh37 (hg19) VCF-style: chr17-60679451-C-G.
Other names: c.1835C>G, p.Thr612Arg (NM_001284333.3); c.1673C>G, p.Thr558Arg (NM_001284363.1, NM_001375272.1); c.1322C>G, p.Thr441Arg (NM_001330418.3, NM_001375273.1); c.1811C>G, p.Thr604Arg (NM_001375269.1); c.1769C>G, p.Thr590Arg (NM_001375270.1, NM_001375271.1); c.1484C>G, p.Thr495Arg (NM_001411074.1); short protein forms T441R, T495R, T558R, T590R, T604R, T612R.
Identifiers: ClinVar variation 3573833 (VCV003573833.1).
Genomic context (GRCh38, chr17:62,602,090, plus strand): 5'-TTTATTTTTTAGGTAATATTCTTTTAGTAAATGGTACAGCGTGTGGAGAGATAAAAATTA[C>G]AGATTTTGGTCTTTCGAAGATCATGGATGATGATAGCTACAATTCAGTGGATGGCATGGA-3'
Protein context (NP_006843.2, residues 580-600): NGTACGEIKI[Thr590Arg]DFGLSKIMDD